The following is an entry in ClinVar:

ClinVar aggregate classification (germline): Benign/Likely benign. Review status: criteria provided, multiple submitters, no conflicts (2 of 4 stars). 5 submissions from 5 submitters: Benign (2); Likely benign (2). 1 of the submissions does not count toward it. Last evaluated 2026-01-16.

Conditions:
PIEZO1-related disorder. Also called: PIEZO1-related condition; PIEZO1-Related Disorders.

Allele frequency attached by ClinVar (database versions not stated): ExAC 0.00297; 1000 Genomes Project 0.00359; 1000 Genomes Project 30x 0.00422; gnomAD 0.00472; TOPMed 0.00492; ESP Exome Variant Server 0.00504.
gnomAD v4.1: 1,254 of 1,523,780 alleles (0.082%); highest among the groups gnomAD compares: African/African-American, 1.6%; 8 homozygotes.

Submissions (5):

Labcorp Genetics (formerly Invitae), Labcorp
Classification: Benign. Last evaluated: 2026-01-16. Review status: criteria provided, single submitter. Criteria: Invitae Variant Classification Sherloc (09022015). Collection method: clinical testing. Allele origin: germline.

ARUP Laboratories, Molecular Genetics and Genomics, ARUP Laboratories
Classification: Likely benign. Last evaluated: 2025-05-12. Review status: criteria provided, single submitter. Criteria: ARUP Molecular Germline Variant Investigation Process 2024. Collection method: clinical testing. Allele origin: germline.

Mayo Clinic Laboratories, Mayo Clinic
Classification: Likely benign. Last evaluated: 2025-01-10. Review status: criteria provided, single submitter. Criteria: ACMG Guidelines, 2015. Collection method: clinical testing. Allele origin: germline. Observed: 20 variant alleles.
Comment: BS3_supporting, BP4

CeGaT Center for Human Genetics Tuebingen
Classification: Benign. Last evaluated: 2024-11-01. Review status: criteria provided, single submitter. Criteria: CeGaT Center For Human Genetics Tuebingen Variant Classification Criteria Version 2. Collection method: clinical testing. Allele origin: germline. Affected: yes. Observed: 3 variant alleles.
Comment: PIEZO1: BP4, BS1, BS2

PreventionGenetics, part of Exact Sciences
Classification: Benign for PIEZO1-related condition. Last evaluated: 2019-05-03. Review status: no assertion criteria provided. Collection method: clinical testing. Allele origin: germline. Not counted in ClinVar's aggregate classification.
Comment: This variant is classified as benign based on ACMG/AMP sequence variant interpretation guidelines (Richards et al. 2015 PMID: 25741868, with internal and published modifications).

NM_001142864.4(PIEZO1):c.5694G>C (p.Glu1898Asp)

Gene: PIEZO1 (piezo type mechanosensitive ion channel component 1 (Er blood group); minus strand). Cytogenetic location: 16q24.3.
Variant type: single nucleotide variant.
Coding change: c.5694G>C on transcript NM_001142864.4 (MANE Select); coding-DNA position 5694, G replaced by C.
Protein change: p.Glu1898Asp; replaces glutamic acid 1898 with aspartic acid.
Molecular consequence: missense variant.
Genome position (GRCh38, 1-based): chr16:88,720,723, C>G on the plus strand (G>C on the coding strand, the complement: PIEZO1 is on the minus strand). VCF-style: chr16-88720723-C-G. GRCh37 (hg19) VCF-style: chr16-88787131-C-G.
Other names: short protein forms E1898D.
Identifiers: ClinVar variation 709924 (VCV000709924.46), dbSNP rs201829917, ClinGen allele CA8231808.